The following is an entry in ClinVar:

NM_001458.5(FLNC):c.2929+1G>A

Gene: FLNC (filamin C; plus strand). Cytogenetic location: 7q32.1.
Variant type: single nucleotide variant.
Coding change: c.2929+1G>A on transcript NM_001458.5 (MANE Select); the canonical splice donor site of the intron after coding-DNA position 2929, G replaced by A.
Molecular consequence: splice donor variant.
Genome position (GRCh38, 1-based): chr7:128,843,914, G>A. VCF-style: chr7-128843914-G-A. GRCh37 (hg19) VCF-style: chr7-128483968-G-A.
Other names: c.2929+1G>A (NM_001127487.2).
Identifiers: ClinVar variation 5021936 (VCV005021936.1).

ClinVar aggregate classification (germline): Likely pathogenic (1 of 4 stars; one submission).

Conditions:
Cardiovascular phenotype. Identifiers: MedGen CN230736.

Submission:

Ambry Genetics
Classification: Likely pathogenic for Cardiovascular phenotype. Last evaluated: 2026-06-30. Review status: criteria provided, single submitter. Criteria: Ambry Variant Classification Scheme 2023. Collection method: clinical testing. Allele origin: germline.
Comment: The c.2929+1G>A intronic variant results from a G to A substitution one nucleotide after coding exon 19 of the FLNC gene. This variant is considered to be rare based on population cohorts in the Genome Aggregation Database (gnomAD). This nucleotide position is highly conserved in available vertebrate species. In silico splice site analysis predicts that this alteration will weaken the native splice donor site. Variants that disrupt the canonical splice site are expected to cause aberrant splicing, resulting in an abnormal protein or a transcript that is subject to nonsense-mediated mRNA decay. Based on the supporting evidence, this variant is expected to be causative of FLNC-related dilated cardiomyopathy; however, its clinical significance for FLNC-related hypertrophic/restrictive cardiomyopathy and/or skeletal myopathy is unclear.